The following is an entry in ClinVar:

ClinVar aggregate classification (germline): Uncertain significance (1 of 4 stars; one submission).

Conditions:
Inborn genetic diseases. Identifiers: MedGen C0950123, MeSH D030342.

Allele frequency attached by ClinVar (database versions not stated): 1000 Genomes Project 30x 0.00016; 1000 Genomes Project 0.00020; gnomAD 0.00001; TOPMed 0.00001; ExAC 0.00003; gnomAD exomes 0.00004.
gnomAD v4.1: 54 of 1,613,834 alleles (0.0033%); highest among the groups gnomAD compares: Non-Finnish European, 0.0042%; no homozygotes.

Submission:

Ambry Genetics
Classification: Uncertain significance for Inborn genetic diseases. Last evaluated: 2025-12-15. Review status: criteria provided, single submitter. Criteria: Ambry Variant Classification Scheme 2023. Collection method: clinical testing. Allele origin: germline.
Comment: The c.2432G>A (p.R811H) alteration is located in exon 17 (coding exon 17) of the KIF21A gene. This alteration results from a G to A substitution at nucleotide position 2432, causing the arginine (R) at amino acid position 811 to be replaced by a histidine (H). Based on data from gnomAD, the A allele has an overall frequency of 0.002% (5/251356) total alleles studied. The highest observed frequency was 0.004% (4/113654) of European (non-Finnish) alleles. Based on insufficient or conflicting evidence, the clinical significance of this alteration remains unclear.

NM_001173464.2(KIF21A):c.2471G>A (p.Arg824His)

Gene: KIF21A (kinesin family member 21A; minus strand). Cytogenetic location: 12q12.
Variant type: single nucleotide variant.
Coding change: c.2471G>A on transcript NM_001173464.2 (MANE Select); coding-DNA position 2471, G replaced by A.
Protein change: p.Arg824His; replaces arginine 824 with histidine.
Molecular consequence: missense variant. On other transcripts: intron variant (1).
Genome position (GRCh38, 1-based): chr12:39,333,228, C>T on the plus strand (G>A on the coding strand, the complement: KIF21A is on the minus strand). VCF-style: chr12-39333228-C-T. GRCh37 (hg19) VCF-style: chr12-39727030-C-T.
Other names: c.2432G>A, p.Arg811His (NM_001173463.2, NM_001378441.1, NM_017641.4); c.2471G>A, p.Arg824His (NM_001378439.1, NM_001378440.1); c.2380-121G>A (NM_001173465.2); short protein forms R811H, R824H.
Identifiers: ClinVar variation 2480156 (VCV002480156.3), dbSNP rs558002876, ClinGen allele CA6510783.